The following is an entry in ClinVar:

NM_001036.6(RYR3):c.9646A>T (p.Ile3216Phe)

Gene: RYR3 (ryanodine receptor 3; plus strand). Cytogenetic location: 15q14.
Variant type: single nucleotide variant.
Coding change: c.9646A>T on transcript NM_001036.6 (MANE Select); coding-DNA position 9646, A replaced by T.
Protein change: p.Ile3216Phe; replaces isoleucine 3216 with phenylalanine.
Molecular consequence: missense variant.
Genome position (GRCh38, 1-based): chr15:33,788,274, A>T. VCF-style: chr15-33788274-A-T. GRCh37 (hg19) VCF-style: chr15-34080475-A-T.
Other names: c.9646A>T, p.Ile3216Phe (NM_001243996.4); short protein forms I3216F.
Identifiers: ClinVar variation 3771796 (VCV003771796.13).

ClinVar aggregate classification (germline): Uncertain significance (1 of 4 stars; one submission).

gnomAD v4.1: 4 of 1,614,024 alleles (0.00025%); highest among the groups gnomAD compares: Middle Eastern, 0.016%; no homozygotes.

Submission:

CeGaT Center for Human Genetics Tuebingen
Classification: Uncertain significance. Last evaluated: 2025-01-01. Review status: criteria provided, single submitter. Criteria: CeGaT Center For Human Genetics Tuebingen Variant Classification Criteria Version 2. Collection method: clinical testing. Allele origin: germline. Affected: yes. Observed: 1 variant allele.
Comment: RYR3: PM2